The following is an entry in ClinVar:

ClinVar aggregate classification (germline): Uncertain significance. Review status: criteria provided, multiple submitters, no conflicts (2 of 4 stars). 2 submissions from 2 submitters: Uncertain significance (2). Last evaluated 2023-09-26.

Conditions:
Inborn genetic diseases. Identifiers: MedGen C0950123, MeSH D030342.

Allele frequency attached by ClinVar (database versions not stated): gnomAD 0.00003; TOPMed 0.00003; gnomAD exomes 0.00004 and 0.00005; ExAC 0.00006; ESP Exome Variant Server 0.00016.
gnomAD v4.1: 58 of 1,613,756 alleles (0.0036%); highest among the groups gnomAD compares: Non-Finnish European, 0.0047%; no homozygotes.

Submissions (2):

Ambry Genetics
Classification: Uncertain significance for Inborn genetic diseases. Last evaluated: 2023-09-26. Review status: criteria provided, single submitter. Criteria: Ambry Variant Classification Scheme 2023. Collection method: clinical testing. Allele origin: germline.

Labcorp Genetics (formerly Invitae), Labcorp
Classification: Uncertain significance. Last evaluated: 2022-09-29. Review status: criteria provided, single submitter. Criteria: Invitae Variant Classification Sherloc (09022015). Collection method: clinical testing. Allele origin: germline.
Comment: This sequence change replaces glutamine, which is neutral and polar, with arginine, which is basic and polar, at codon 3302 of the PCLO protein (p.Gln3302Arg). This variant is present in population databases (rs201475178, gnomAD 0.008%). This variant has not been reported in the literature in individuals affected with PCLO-related conditions. ClinVar contains an entry for this variant (Variation ID: 1427797). Algorithms developed to predict the effect of missense changes on protein structure and function are either unavailable or do not agree on the potential impact of this missense change (SIFT: "Deleterious"; PolyPhen-2: "Not Available"; Align-GVGD: "Class C0"). In summary, the available evidence is currently insufficient to determine the role of this variant in disease. Therefore, it has been classified as a Variant of Uncertain Significance.

NM_033026.6(PCLO):c.9905A>G (p.Gln3302Arg)

Gene: PCLO (piccolo presynaptic cytomatrix protein; minus strand). Cytogenetic location: 7q21.11.
Variant type: single nucleotide variant.
Coding change: c.9905A>G on transcript NM_033026.6 (MANE Select); coding-DNA position 9905, A replaced by G.
Protein change: p.Gln3302Arg; replaces glutamine 3302 with arginine.
Molecular consequence: missense variant.
Genome position (GRCh38, 1-based): chr7:82,950,683, T>C on the plus strand (A>G on the coding strand, the complement: PCLO is on the minus strand). VCF-style: chr7-82950683-T-C. GRCh37 (hg19) VCF-style: chr7-82579999-T-C.
Other names: c.9905A>G, p.Gln3302Arg (NM_014510.3); c.9905A>G (NM_033026.5); short protein forms Q3302R.
Identifiers: ClinVar variation 1427797 (VCV001427797.4), dbSNP rs201475178, ClinGen allele CA4319834.